The following is an entry in ClinVar:

NM_018706.7(DHTKD1):c.160C>T (p.His54Tyr)

Gene: DHTKD1 (dehydrogenase E1 and transketolase domain containing 1; plus strand). Cytogenetic location: 10p14.
Variant type: single nucleotide variant.
Coding change: c.160C>T on transcript NM_018706.7 (MANE Select); coding-DNA position 160, C replaced by T.
Protein change: p.His54Tyr; replaces histidine 54 with tyrosine.
Molecular consequence: missense variant.
Genome position (GRCh38, 1-based): chr10:12,081,477, C>T. VCF-style: chr10-12081477-C-T. GRCh37 (hg19) VCF-style: chr10-12123476-C-T.
Other names: short protein forms H54Y.
Identifiers: ClinVar variation 2094313 (VCV002094313.4), dbSNP rs2491465516, ClinGen allele CA376014247.

ClinVar aggregate classification (germline): Uncertain significance (1 of 4 stars; one submission).

Conditions:
2-aminoadipic 2-oxoadipic aciduria (AAKAD). Also called: ALPHA-AMINOADIPIC AND ALPHA-KETOADIPIC ACIDURIA; Aminoadipic aciduria. Identifiers: Orphanet 79154, MedGen C1859817, MONDO:0008774, OMIM 204750.

Submission:

Labcorp Genetics (formerly Invitae), Labcorp
Classification: Uncertain significance for 2-aminoadipic 2-oxoadipic aciduria. Last evaluated: 2022-02-06. Review status: criteria provided, single submitter. Criteria: Invitae Variant Classification Sherloc (09022015). Collection method: clinical testing. Allele origin: germline.
Comment: In summary, the available evidence is currently insufficient to determine the role of this variant in disease. Therefore, it has been classified as a Variant of Uncertain Significance. Algorithms developed to predict the effect of missense changes on protein structure and function are either unavailable or do not agree on the potential impact of this missense change (SIFT: "Tolerated"; PolyPhen-2: "Possibly Damaging"; Align-GVGD: "Class C0"). This sequence change replaces histidine, which is basic and polar, with tyrosine, which is neutral and polar, at codon 54 of the DHTKD1 protein (p.His54Tyr). This variant is not present in population databases (gnomAD no frequency). This variant has not been reported in the literature in individuals affected with DHTKD1-related conditions.